The following is an entry in ClinVar:

ClinVar aggregate classification (germline): Uncertain significance (1 of 4 stars; one submission).

gnomAD v4.1: 12 of 1,612,152 alleles (0.00074%); highest among the groups gnomAD compares: African/African-American, 0.016%; no homozygotes.

Submission:

GeneDx
Classification: Uncertain significance. Last evaluated: 2024-02-29. Review status: criteria provided, single submitter. Criteria: GeneDx Variant Classification Process June 2021. Collection method: clinical testing. Allele origin: germline. Affected: yes.
Comment: In silico analysis supports that this missense variant does not alter protein structure/function; Has not been previously published as pathogenic or benign to our knowledge

NM_002340.6(LSS):c.1378G>A (p.Ala460Thr)

Gene: LSS (lanosterol synthase; minus strand). Cytogenetic location: 21q22.3.
Variant type: single nucleotide variant.
Coding change: c.1378G>A on transcript NM_002340.6 (MANE Select); coding-DNA position 1378, G replaced by A.
Protein change: p.Ala460Thr; replaces alanine 460 with threonine.
Molecular consequence: missense variant.
Genome position (GRCh38, 1-based): chr21:46,207,517, C>T on the plus strand (G>A on the coding strand, the complement: LSS is on the minus strand). VCF-style: chr21-46207517-C-T. GRCh37 (hg19) VCF-style: chr21-47627431-C-T.
Other names: c.1378G>A, p.Ala460Thr (NM_001001438.3); c.1345G>A, p.Ala449Thr (NM_001145436.2); c.1138G>A, p.Ala380Thr (NM_001145437.2); short protein forms A380T, A449T, A460T.
Identifiers: ClinVar variation 3373480 (VCV003373480.1).